The following is an entry in ClinVar:

ClinVar aggregate classification (germline): Uncertain significance. Review status: criteria provided, single submitter (1 of 4 stars). 2 submissions from 2 submitters: Uncertain significance (1). 1 of the submissions does not count toward it. Last evaluated 2022-07-05.

Conditions:
Dilated cardiomyopathy 1G (CMD1G). Identifiers: Orphanet 154, MedGen C1858763, MONDO:0011400, OMIM 604145.
Autosomal recessive limb-girdle muscular dystrophy type 2J (LGMDR10). Also called: Limb-girdle muscular dystrophy, type 2J; MUSCULAR DYSTROPHY, LIMB-GIRDLE, AUTOSOMAL RECESSIVE 10. Identifiers: Orphanet 140922, MedGen C1837342, MONDO:0012127, OMIM 608807.

Allele frequency attached by ClinVar (database versions not stated): gnomAD exomes below 0.00001; ExAC 0.00001.

Submissions (2):

Labcorp Genetics (formerly Invitae), Labcorp
Classification: Uncertain significance for Dilated cardiomyopathy 1G; Autosomal recessive limb-girdle muscular dystrophy type 2J. Last evaluated: 2022-07-05. Review status: criteria provided, single submitter. Criteria: Invitae Variant Classification Sherloc (09022015). Collection method: clinical testing. Allele origin: germline.
Comment: This variant has not been reported in the literature in individuals affected with TTN-related conditions. This sequence change falls in intron 257 of the TTN gene. It does not directly change the encoded amino acid sequence of the TTN protein. It affects a nucleotide within the consensus splice site. This variant is present in population databases (rs776497397, gnomAD 0.0009%). ClinVar contains an entry for this variant (Variation ID: 1497871). Variants that disrupt the consensus splice site are a relatively common cause of aberrant splicing (PMID: 17576681, 9536098). Algorithms developed to predict the effect of sequence changes on RNA splicing suggest that this variant is not likely to affect RNA splicing. This variant is located in the A band of TTN (PMID: 25589632). Variants in this region may be relevant for cardiac or neuromuscular disorders (PMID: 25589632, 23975875). In summary, the available evidence is currently insufficient to determine the role of this variant in disease. Therefore, it has been classified as a Variant of Uncertain Significance.

Cardiogenetics and Myogenetics Molecular and Cellular Functional Unit, Aphp Sorbonne University-Hopital Pitie Salpetriere
Classification: Likely pathogenic for Dilated cardiomyopathy 1G. Last evaluated: 2024-01-06. Review status: no assertion criteria provided. Collection method: clinical testing. Allele origin: germline. Affected: yes. Not counted in ClinVar's aggregate classification.

Literature cited by the submitters: PubMed 17576681 (cited by Labcorp Genetics (formerly Invitae), Labcorp); PubMed 9536098 (cited by Labcorp Genetics (formerly Invitae), Labcorp); PubMed 25589632 (cited by Labcorp Genetics (formerly Invitae), Labcorp); PubMed 23975875 (cited by Labcorp Genetics (formerly Invitae), Labcorp).

NM_001267550.2(TTN):c.48312+2dup

Genes: TTN (titin; minus strand), TTN-AS1 (TTN antisense RNA 1; plus strand). Cytogenetic location: 2q31.2.
Variant type: Duplication.
Coding change: c.48312+2dup on transcript NM_001267550.2 (MANE Select); the canonical splice donor site of the intron after coding-DNA position 48312, one base duplicated (T; older notation c.48312+2dupT).
Molecular consequence: splice donor variant.
Genome position (GRCh38, 1-based): chr2:178,616,477, A duplicated on the plus strand (T on the coding strand, the reverse complement: TTN is on the minus strand). VCF-style (leftmost placement, unchanged base first): chr2-178616476-C-CA. GRCh37 (hg19) VCF-style: chr2-179481203-C-CA.
Other names: c.21117+2dup (NM_003319.4); c.21693+2dup (NM_133437.4); c.21492+2dup (NM_133432.3); c.40608+2dup (NM_133378.4); c.43389+2dup (NM_001256850.1).
Identifiers: ClinVar variation 1497871 (VCV001497871.7), dbSNP rs776497397, ClinGen allele CA1994871.